The following is an entry in ClinVar:

ClinVar aggregate classification (germline): Uncertain significance. Review status: criteria provided, multiple submitters, no conflicts (2 of 4 stars). 2 submissions from 2 submitters: Uncertain significance (2). Last evaluated 2024-12-15.

Allele frequency attached by ClinVar (database versions not stated): TOPMed 0.00001; 1000 Genomes Project 30x 0.00016; 1000 Genomes Project 0.00020.

Submissions (2):

Ambry Genetics
Classification: Uncertain significance. Last evaluated: 2024-12-15. Review status: criteria provided, single submitter. Criteria: Ambry Variant Classification Scheme 2023. Collection method: clinical testing. Allele origin: germline.
Comment: The p.M184L variant (also known as c.550A>T), located in coding exon 4 of the GEN1 gene, results from an A to T substitution at nucleotide position 550. The methionine at codon 184 is replaced by leucine, an amino acid with highly similar properties. This amino acid position is conserved. In addition, this alteration is predicted to be tolerated by in silico analysis. Based on the available evidence, the clinical significance of this variant remains unclear.

Labcorp Genetics (formerly Invitae), Labcorp
Classification: Uncertain significance. Last evaluated: 2023-09-30. Review status: criteria provided, single submitter. Criteria: Invitae Variant Classification Sherloc (09022015). Collection method: clinical testing. Allele origin: germline.
Comment: This variant has not been reported in the literature in individuals affected with GEN1-related conditions. This sequence change replaces methionine, which is neutral and non-polar, with leucine, which is neutral and non-polar, at codon 184 of the GEN1 protein (p.Met184Leu). This variant is present in population databases (rs140068646, gnomAD 0.01%). ClinVar contains an entry for this variant (Variation ID: 1021762). An algorithm developed to predict the effect of missense changes on protein structure and function (PolyPhen-2) suggests that this variant is likely to be tolerated. In summary, the available evidence is currently insufficient to determine the role of this variant in disease. Therefore, it has been classified as a Variant of Uncertain Significance.

NM_001130009.3(GEN1):c.550A>T (p.Met184Leu)

Gene: GEN1 (GEN1 structure-specific endonuclease; plus strand). Cytogenetic location: 2p24.2.
Variant type: single nucleotide variant.
Coding change: c.550A>T on transcript NM_001130009.3 (MANE Select); coding-DNA position 550, A replaced by T.
Protein change: p.Met184Leu; replaces methionine 184 with leucine.
Molecular consequence: missense variant.
Genome position (GRCh38, 1-based): chr2:17,766,603, A>T. VCF-style: chr2-17766603-A-T. GRCh37 (hg19) VCF-style: chr2-17947870-A-T.
Other names: c.550A>T, p.Met184Leu (NM_182625.5); c.550A>T (NM_001130009.1); short protein forms M184L.
Identifiers: ClinVar variation 1021762 (VCV001021762.10), dbSNP rs140068646, ClinGen allele CA1540472.